The following is an entry in ClinVar:

ClinVar aggregate classification (germline): Conflicting classifications of pathogenicity. Review status: criteria provided, conflicting classifications (1 of 4 stars). 11 submissions from 11 submitters: Uncertain significance (8); Likely benign (1). 2 of the submissions do not count toward it. Last evaluated 2026-01-15.

Conditions:
Methylmalonic aciduria due to complete methylmalonyl-CoA mutase deficiency.
MMUT-related disorder. Also called: MMUT-related condition.
Methylmalonic aciduria due to methylmalonyl-CoA mutase deficiency (MAMM). Also called: Methylmalonic aciduria, mut type. Identifiers: Orphanet 27, MedGen C1855114, MONDO:0009612, OMIM 251000.

Allele frequency attached by ClinVar (database versions not stated): 1000 Genomes Project 0.00020; ExAC 0.00021; gnomAD 0.00029; 1000 Genomes Project 30x 0.00031; gnomAD exomes 0.00032 and 0.00055; TOPMed 0.00032; ESP Exome Variant Server 0.00100.
gnomAD v4.1: 849 of 1,613,754 alleles (0.053%); highest among the groups gnomAD compares: Non-Finnish European, 0.065%; 2 homozygotes.

Submissions (11):

Labcorp Genetics (formerly Invitae), Labcorp
Classification: Likely benign. Last evaluated: 2026-01-15. Review status: criteria provided, single submitter. Criteria: Invitae Variant Classification Sherloc (09022015). Collection method: clinical testing. Allele origin: germline.

Blueprint Genetics
Classification: Uncertain significance. Last evaluated: 2024-10-16. Review status: criteria provided, single submitter. Criteria: ACMG Guidelines, 2015. Collection method: clinical testing. Allele origin: germline.

Fulgent Genetics
Classification: Uncertain significance for Methylmalonic aciduria due to methylmalonyl-CoA mutase deficiency. Last evaluated: 2022-04-23. Review status: criteria provided, single submitter. Criteria: ACMG Guidelines, 2015. Collection method: clinical testing. Allele origin: unknown.

MGZ Medical Genetics Center
Classification: Uncertain significance for Methylmalonic aciduria due to methylmalonyl-CoA mutase deficiency. Last evaluated: 2022-02-18. Review status: criteria provided, single submitter. Criteria: ACMG Guidelines, 2015. Collection method: clinical testing. Allele origin: germline. Affected: yes. Observed: 1 variant allele.
Comment: ACMG criteria applied: PM1, PM2_SUP, PM5_SUP, PP3

Ambry Genetics
Classification: Uncertain significance. Last evaluated: 2021-06-29. Review status: criteria provided, single submitter. Criteria: Ambry Variant Classification Scheme 2023. Collection method: clinical testing. Allele origin: germline.

Baylor Genetics
Classification: Uncertain significance for Methylmalonic aciduria due to methylmalonyl-CoA mutase deficiency. Last evaluated: 2018-12-27. Review status: criteria provided, single submitter. Criteria: ACMG Guidelines, 2015. Collection method: clinical testing. Allele origin: maternal. Affected: yes.
Comment: This variant was determined to be of uncertain significance according to ACMG Guidelines, 2015 [PMID:25741868].

Center for Pediatric Genomic Medicine, Children's Mercy Hospital and Clinics
Classification: Uncertain significance. Last evaluated: 2017-09-01. Review status: criteria provided, single submitter. Criteria: ACMG Guidelines, 2015. Collection method: clinical testing. Allele origin: germline.

Illumina Laboratory Services, Illumina
Classification: Uncertain significance for Methylmalonic aciduria due to methylmalonyl-CoA mutase deficiency. Last evaluated: 2017-04-27. Review status: criteria provided, single submitter. Criteria: ICSL Variant Classification Criteria 13 December 2019. Collection method: clinical testing. Allele origin: germline.

CeGaT Center for Human Genetics Tuebingen
Classification: Uncertain significance. Last evaluated: 2017-01-01. Review status: criteria provided, single submitter. Criteria: CeGaT Center For Human Genetics Tuebingen Variant Classification Criteria Version 2. Collection method: clinical testing. Allele origin: germline. Affected: yes. Observed: 1 variant allele.

PreventionGenetics, part of Exact Sciences
Classification: Likely benign for MMUT-related condition. Last evaluated: 2022-10-18. Review status: no assertion criteria provided. Collection method: clinical testing. Allele origin: germline. Not counted in ClinVar's aggregate classification.
Comment: This variant is classified as likely benign based on ACMG/AMP sequence variant interpretation guidelines (Richards et al. 2015 PMID: 25741868, with internal and published modifications).

Natera, Inc.
Classification: Uncertain significance for Methylmalonic aciduria due to complete methylmalonyl-CoA mutase deficiency. Last evaluated: 2019-11-11. Review status: no assertion criteria provided. Collection method: clinical testing. Allele origin: germline. Not counted in ClinVar's aggregate classification.

NM_000255.4(MMUT):c.878A>G (p.Gln293Arg)

Gene: MMUT (methylmalonyl-CoA mutase; minus strand). Cytogenetic location: 6p12.3.
Variant type: single nucleotide variant.
Coding change: c.878A>G on transcript NM_000255.4 (MANE Select); coding-DNA position 878, A replaced by G.
Protein change: p.Gln293Arg; replaces glutamine 293 with arginine.
Molecular consequence: missense variant.
Genome position (GRCh38, 1-based): chr6:49,456,113, T>C on the plus strand (A>G on the coding strand, the complement: MMUT is on the minus strand). VCF-style: chr6-49456113-T-C. GRCh37 (hg19) VCF-style: chr6-49423826-T-C.
Other names: short protein forms Q293R.
Identifiers: ClinVar variation 445873 (VCV000445873.60), dbSNP rs138374956, ClinGen allele CA3847021.